The following is an entry in ClinVar:

ClinVar aggregate classification (germline): Uncertain significance (1 of 4 stars; one submission).

Allele frequency attached by ClinVar (database versions not stated): gnomAD exomes below 0.00001; gnomAD 0.00001; TOPMed 0.00001; ESP Exome Variant Server 0.00008.
gnomAD v4.1: 3 of 1,602,528 alleles (0.00019%); highest among the groups gnomAD compares: African/African-American, 0.004%; no homozygotes.

Submission:

Labcorp Genetics (formerly Invitae), Labcorp
Classification: Uncertain significance. Last evaluated: 2022-11-03. Review status: criteria provided, single submitter. Criteria: Invitae Variant Classification Sherloc (09022015). Collection method: clinical testing. Allele origin: germline.
Comment: This variant has not been reported in the literature in individuals affected with KIF11-related conditions. In summary, the available evidence is currently insufficient to determine the role of this variant in disease. Therefore, it has been classified as a Variant of Uncertain Significance. Variants that disrupt the consensus splice site are a relatively common cause of aberrant splicing (PMID: 17576681, 9536098). Algorithms developed to predict the effect of sequence changes on RNA splicing suggest that this variant is not likely to affect RNA splicing. This variant is present in population databases (rs368488498, gnomAD 0.008%). This sequence change falls in intron 8 of the KIF11 gene. It does not directly change the encoded amino acid sequence of the KIF11 protein. It affects a nucleotide within the consensus splice site.

Literature cited by the submitters: PubMed 17576681; PubMed 9536098.

NM_004523.4(KIF11):c.1032+5G>A

Gene: KIF11 (kinesin family member 11; plus strand). Cytogenetic location: 10q23.33.
Variant type: single nucleotide variant.
Coding change: c.1032+5G>A on transcript NM_004523.4 (MANE Select); 5 bases into the intron after coding-DNA position 1032, G replaced by A.
Molecular consequence: intron variant.
Genome position (GRCh38, 1-based): chr10:92,613,624, G>A. VCF-style: chr10-92613624-G-A. GRCh37 (hg19) VCF-style: chr10-94373381-G-A.
Identifiers: ClinVar variation 2811741 (VCV002811741.3), dbSNP rs368488498, ClinGen allele CA211497842.